The following is an entry in ClinVar:

NM_000321.3(RB1):c.325G>A (p.Asp109Asn)

Gene: RB1 (RB transcriptional corepressor 1; plus strand). Cytogenetic location: 13q14.2.
Variant type: single nucleotide variant.
Coding change: c.325G>A on transcript NM_000321.3 (MANE Select); coding-DNA position 325, G replaced by A.
Protein change: p.Asp109Asn; replaces aspartic acid 109 with asparagine.
Molecular consequence: missense variant.
Genome position (GRCh38, 1-based): chr13:48,342,659, G>A. VCF-style: chr13-48342659-G-A. GRCh37 (hg19) VCF-style: chr13-48916795-G-A.
Other names: c.325G>A, p.Asp109Asn (NM_001407165.1, NM_001407166.1); short protein forms D109N.
Identifiers: ClinVar variation 4863009 (VCV004863009.1).
Genomic context (GRCh38, chr13:48,342,659, plus strand): 5'-GGAGGTTATATTCAAAAGAAAAAGGAACTGTGGGGAATCTGTATCTTTATTGCAGCAGTT[G>A]ACCTAGATGAGATGTCGTTCACTTTTACTGAGCTACAGAAAAACATAGAAATCAGGTAAA-3'
Protein context (NP_000312.2, residues 99-119): WGICIFIAAV[Asp109Asn]LDEMSFTFTE

ClinVar aggregate classification (germline): Uncertain significance (1 of 4 stars; one submission).

Conditions:
Hereditary cancer-predisposing syndrome. Also called: Neoplastic Syndromes, Hereditary; Tumor predisposition; Hereditary Cancer Syndrome; Hereditary neoplastic syndrome. Identifiers: Orphanet 140162, MedGen C0027672, MeSH D009386, MONDO:0015356.

Submission:

Ambry Genetics
Classification: Uncertain significance for Hereditary cancer-predisposing syndrome. Last evaluated: 2026-03-16. Review status: criteria provided, single submitter. Criteria: Ambry Variant Classification Scheme 2023. Collection method: clinical testing. Allele origin: germline.
Comment: The p.D109N variant (also known as c.325G>A), located in coding exon 3 of the RB1 gene, results from a G to A substitution at nucleotide position 325. The aspartic acid at codon 109 is replaced by asparagine, an amino acid with highly similar properties. This amino acid position is conserved. In addition, this alteration is predicted to be tolerated by in silico analysis. Based on the available evidence, the clinical significance of this variant remains unclear.